The following is an entry in ClinVar:

NM_001377.3(DYNC2H1):c.7675G>A (p.Asp2559Asn)

Gene: DYNC2H1 (dynein cytoplasmic 2 heavy chain 1; plus strand). Cytogenetic location: 11q22.3.
Variant type: single nucleotide variant.
Coding change: c.7675G>A on transcript NM_001377.3 (MANE Select); coding-DNA position 7675, G replaced by A.
Protein change: p.Asp2559Asn; replaces aspartic acid 2559 with asparagine.
Molecular consequence: missense variant.
Genome position (GRCh38, 1-based): chr11:103,192,231, G>A. VCF-style: chr11-103192231-G-A. GRCh37 (hg19) VCF-style: chr11-103062960-G-A.
Other names: c.7675G>A, p.Asp2559Asn (NM_001080463.2); c.7675G>A (NM_001080463.1); short protein forms D2559N.
Identifiers: ClinVar variation 1351481 (VCV001351481.7), dbSNP rs368867624, ClinGen allele CA6254294.

ClinVar aggregate classification (germline): Uncertain significance. Review status: criteria provided, multiple submitters, no conflicts (2 of 4 stars). 2 submissions from 2 submitters: Uncertain significance (2). Last evaluated 2025-02-12.

Conditions:
Inborn genetic diseases. Identifiers: MedGen C0950123, MeSH D030342.
Jeune thoracic dystrophy. Also called: Jeune syndrome; Infantile thoracic dystrophy; Thoracic pelvic phalangeal dystrophy; Jeune's syndrome; Chondroectodermal dysplasia-like syndrome; Short-rib thoracic dysplasia. Identifiers: Orphanet 474, MedGen C0265275, MONDO:0018770.

Allele frequency attached by ClinVar (database versions not stated): ExAC 0.00004; gnomAD exomes 0.00004 and 0.00007; gnomAD 0.00007; ESP Exome Variant Server 0.00008; TOPMed 0.00009.
gnomAD v4.1: 111 of 1,583,886 alleles (0.007%); highest among the groups gnomAD compares: Non-Finnish European, 0.0084%; no homozygotes.

Submissions (2):

Ambry Genetics
Classification: Uncertain significance for Inborn genetic diseases. Last evaluated: 2025-02-12. Review status: criteria provided, single submitter. Criteria: Ambry Variant Classification Scheme 2023. Collection method: clinical testing. Allele origin: germline.

Labcorp Genetics (formerly Invitae), Labcorp
Classification: Uncertain significance for Jeune thoracic dystrophy. Last evaluated: 2021-09-01. Review status: criteria provided, single submitter. Criteria: Invitae Variant Classification Sherloc (09022015). Collection method: clinical testing. Allele origin: germline.
Comment: This sequence change replaces aspartic acid with asparagine at codon 2559 of the DYNC2H1 protein (p.Asp2559Asn). The aspartic acid residue is highly conserved and there is a small physicochemical difference between aspartic acid and asparagine. This variant is present in population databases (rs368867624, ExAC 0.03%). This variant has not been reported in the literature in individuals affected with DYNC2H1-related conditions. Advanced modeling of protein sequence and biophysical properties (such as structural, functional, and spatial information, amino acid conservation, physicochemical variation, residue mobility, and thermodynamic stability) performed at Invitae indicates that this missense variant is not expected to disrupt DYNC2H1 protein function. In summary, the available evidence is currently insufficient to determine the role of this variant in disease. Therefore, it has been classified as a Variant of Uncertain Significance.